The following is an entry in ClinVar:

NM_001943.5(DSG2):c.1843A>G (p.Ile615Val)

Gene: DSG2 (desmoglein 2; plus strand). Cytogenetic location: 18q12.1.
Variant type: single nucleotide variant.
Coding change: c.1843A>G on transcript NM_001943.5 (MANE Select); coding-DNA position 1843, A replaced by G.
Protein change: p.Ile615Val; replaces isoleucine 615 with valine.
Molecular consequence: missense variant.
Genome position (GRCh38, 1-based): chr18:31,538,942, A>G. VCF-style: chr18-31538942-A-G. GRCh37 (hg19) VCF-style: chr18-29118905-A-G.
Other names: p.I615V:ATT>GTT; c.1843A>G (LRG_397t1); short protein forms I615V.
Identifiers: ClinVar variation 199812 (VCV000199812.14), dbSNP rs794728087, ClinGen allele CA021586.

ClinVar aggregate classification (germline): Uncertain significance. Review status: criteria provided, multiple submitters, no conflicts (2 of 4 stars). 5 submissions from 5 submitters: Uncertain significance (5). Last evaluated 2026-09-24.

Conditions:
Cardiovascular phenotype. Identifiers: MedGen CN230736.
Cardiomyopathy (CMYO). Also called: Cardiomyopathies. Identifiers: Orphanet 167848, MedGen C0878544, MONDO:0004994, HP:0001638. Inheritance: Various modes of inheritance.
Arrhythmogenic right ventricular cardiomyopathy (ARVD). Also called: Cardiomyopathy, ARVC; Arrhythmogenic right ventricular dysplasia; Arrhythmogenic cardiomyopathy; Arrhythmogenic Right Ventricular Cardiomyopathy (ARVC). Identifiers: Orphanet 247, MedGen C0349788, MeSH D019571, MONDO:0016587. Disease mechanism: loss of function. Inheritance: Various modes of inheritance.
Arrhythmogenic right ventricular dysplasia 10. Also called: Arrhythmogenic right ventricular dysplasia/cardiomyopathy, type 10; ARRHYTHMOGENIC RIGHT VENTRICULAR DYSPLASIA, FAMILIAL, 10; Arrhythmogenic Right Ventricular Dysplasia/Cardiomyopathy10. Identifiers: MedGen C1857777, MONDO:0012434, OMIM 610193.

Allele frequency attached by ClinVar (database versions not stated): gnomAD exomes below 0.00001 and 0.00001; gnomAD 0.00001; TOPMed 0.00003.
gnomAD v4.1: 7 of 1,613,916 alleles (0.00043%); highest among the groups gnomAD compares: Admixed American, 0.0083%; no homozygotes.

Submissions (5):

GeneDx
Classification: Uncertain significance. Last evaluated: 2026-09-24. Review status: criteria provided, single submitter. Criteria: GeneDx Variant Classification Process June 2021. Collection method: clinical testing. Allele origin: germline.
Comment: Has not been previously published as pathogenic or benign to our knowledge; Not observed at significant frequency in large population cohorts (gnomAD); In silico analysis suggests that this missense variant does not alter protein structure/function

Labcorp Genetics (formerly Invitae), Labcorp
Classification: Uncertain significance for Arrhythmogenic right ventricular dysplasia 10. Last evaluated: 2025-11-24. Review status: criteria provided, single submitter. Criteria: Invitae Variant Classification Sherloc (09022015). Collection method: clinical testing. Allele origin: germline.
Comment: This sequence change replaces isoleucine, which is neutral and non-polar, with valine, which is neutral and non-polar, at codon 615 of the DSG2 protein (p.Ile615Val). This variant is present in population databases (rs794728087, gnomAD 0.007%). This variant has not been reported in the literature in individuals affected with DSG2-related conditions. ClinVar contains an entry for this variant (Variation ID: 199812). Invitae Evidence Modeling of protein sequence and biophysical properties (such as structural, functional, and spatial information, amino acid conservation, physicochemical variation, residue mobility, and thermodynamic stability) indicates that this missense variant is not expected to disrupt DSG2 protein function with a negative predictive value of 95%. In summary, the available evidence is currently insufficient to determine the role of this variant in disease. Therefore, it has been classified as a Variant of Uncertain Significance.

All of Us Research Program, National Institutes of Health
Classification: Uncertain significance for Arrhythmogenic right ventricular cardiomyopathy. Last evaluated: 2024-03-14. Review status: criteria provided, single submitter. Criteria: ACMG Guidelines, 2015. Collection method: clinical testing. Allele origin: germline. Inheritance: Autosomal dominant inheritance. Observed: 1 variant allele, 1 heterozygote.
Comment: This missense variant replaces isoleucine with valine at codon 615 of the DSG2 protein. Computational prediction tools and conservation analyses suggest that this variant may not impact the protein function. Computational splicing tools suggest that this variant may not impact RNA splicing. To our knowledge, functional assays have not been performed for this variant nor has this variant been reported in individuals affected with cardiovascular disorders in the literature. This variant has been identified in 2/248946 chromosomes in the general population by the Genome Aggregation Database (gnomAD). Available evidence is insufficient to determine the role of this variant in disease conclusively. Therefore, this variant is classified as a Variant of Uncertain Significance.

This study involves interpretation of variants in research participants for the purpose of population health screening. Participant phenotype was not available at the time of variant classification. Additional details can be found in publication PMID: 35346344, PMCID: PMC8962531

Color Diagnostics, LLC DBA Color Health
Classification: Uncertain significance for Cardiomyopathy. Last evaluated: 2024-03-06. Review status: criteria provided, single submitter. Criteria: ACMG Guidelines, 2015. Collection method: clinical testing. Allele origin: germline.
Comment: This missense variant replaces isoleucine with valine at codon 615 of the DSG2 protein. Computational prediction suggests that this variant may not impact protein structure and function (internally defined REVEL score threshold <= 0.5, PMID: 27666373). To our knowledge, functional studies have not been reported for this variant. This variant has not been reported in individuals affected with cardiovascular disorders in the literature. This variant has been identified in 2/248946 chromosomes in the general population by the Genome Aggregation Database (gnomAD). The available evidence is insufficient to determine the role of this variant in disease conclusively. Therefore, this variant is classified as a Variant of Uncertain Significance.

Ambry Genetics
Classification: Uncertain significance for Cardiovascular phenotype. Last evaluated: 2024-02-16. Review status: criteria provided, single submitter. Criteria: Ambry Variant Classification Scheme 2023. Collection method: clinical testing. Allele origin: germline.
Comment: The p.I615V variant (also known as c.1843A>G), located in coding exon 12 of the DSG2 gene, results from an A to G substitution at nucleotide position 1843. The isoleucine at codon 615 is replaced by valine, an amino acid with highly similar properties. This amino acid position is conserved. In addition, this alteration is predicted to be tolerated by in silico analysis. Based on the available evidence, the clinical significance of this alteration remains unclear.